The following is an entry in ClinVar:

ClinVar aggregate classification (germline): Uncertain significance (1 of 4 stars; one submission).

Conditions:
Polycystic kidney disease 4 (PKD4). Also called: POLYCYSTIC KIDNEY DISEASE 4 WITH OR WITHOUT POLYCYSTIC LIVER DISEASE; POLYCYSTIC KIDNEY AND HEPATIC DISEASE 1; POLYCYSTIC KIDNEY DISEASE, INFANTILE, TYPE I; PKD3; Autosomal Recessive Polycystic Kidney Disease – PKHD1. Identifiers: MedGen C4540575, MONDO:0033004, OMIM 263200.

gnomAD v4.1: 1 of 1,613,348 alleles (0.000062%); highest among the groups gnomAD compares: Non-Finnish European, 0.000085%; no homozygotes.

Submission:

Juno Genomics, Hangzhou Juno Genomics, Inc
Classification: Uncertain significance for Polycystic kidney disease 4. Review status: criteria provided, single submitter. Criteria: ACMG Guidelines, 2015. Collection method: clinical testing. Allele origin: germline.
Comment: Absent from controls (or at extremely low frequency if recessive) in Genome Aggregation Database.;Novel missense change at an amino acid residue where a different missense change determined to be pathogenic has been seen before.;Multiple lines of computational evidence suggest no impact on gene or gene product.

NM_138694.4(PKHD1):c.1879A>T (p.Met627Leu)

Gene: PKHD1 (PKHD1 ciliary IPT domain containing fibrocystin/polyductin; minus strand). Cytogenetic location: 6p12.2.
Variant type: single nucleotide variant.
Coding change: c.1879A>T on transcript NM_138694.4 (MANE Select); coding-DNA position 1879, A replaced by T.
Protein change: p.Met627Leu; replaces methionine 627 with leucine.
Molecular consequence: missense variant.
Genome position (GRCh38, 1-based): chr6:52,054,123, T>A on the plus strand (A>T on the coding strand, the complement: PKHD1 is on the minus strand). VCF-style: chr6-52054123-T-A. GRCh37 (hg19) VCF-style: chr6-51918921-T-A.
Other names: c.1879A>T, p.Met627Leu (NM_170724.3); short protein forms M627L.
Identifiers: ClinVar variation 5007083 (VCV005007083.2).